The following is an entry in ClinVar:

ClinVar aggregate classification (germline): Uncertain significance (1 of 4 stars; one submission).

Submission:

Labcorp Genetics (formerly Invitae), Labcorp
Classification: Uncertain significance. Last evaluated: 2022-09-06. Review status: criteria provided, single submitter. Criteria: Invitae Variant Classification Sherloc (09022015). Collection method: clinical testing. Allele origin: germline.
Comment: This sequence change replaces alanine, which is neutral and non-polar, with threonine, which is neutral and polar, at codon 50 of the BMP1 protein (p.Ala50Thr). This variant also falls at the last nucleotide of exon 1, which is part of the consensus splice site for this exon. This variant is not present in population databases (gnomAD no frequency). This variant has not been reported in the literature in individuals affected with BMP1-related conditions. Algorithms developed to predict the effect of missense changes on protein structure and function are either unavailable or do not agree on the potential impact of this missense change (SIFT: "Deleterious"; PolyPhen-2: "Benign"; Align-GVGD: "Class C55"). Variants that disrupt the consensus splice site are a relatively common cause of aberrant splicing (PMID: 17576681, 9536098). Algorithms developed to predict the effect of sequence changes on RNA splicing suggest that this variant may disrupt the consensus splice site. In summary, the available evidence is currently insufficient to determine the role of this variant in disease. Therefore, it has been classified as a Variant of Uncertain Significance.

Literature cited by the submitters: PubMed 17576681; PubMed 9536098.

NM_006129.5(BMP1):c.148G>A (p.Ala50Thr)

Genes: BMP1 (bone morphogenetic protein 1; plus strand), LOC129999976 (ATAC-STARR-seq lymphoblastoid silent region 18982; plus strand). Cytogenetic location: 8p21.3.
Variant type: single nucleotide variant.
Coding change: c.148G>A on transcript NM_006129.5 (MANE Select); coding-DNA position 148, G replaced by A.
Protein change: p.Ala50Thr; replaces alanine 50 with threonine.
Molecular consequence: missense variant. On other transcripts: non-coding transcript variant (2).
Genome position (GRCh38, 1-based): chr8:22,165,553, G>A. VCF-style: chr8-22165553-G-A. GRCh37 (hg19) VCF-style: chr8-22023066-G-A.
Other names: c.148G>A, p.Ala50Thr (NM_001199.4); short protein forms A50T.
Identifiers: ClinVar variation 1911784 (VCV001911784.2), dbSNP rs1321444050, ClinGen allele CA370540072.